The following is an entry in ClinVar:

NM_004958.4(MTOR):c.4253+5631C>A

Genes: ANGPTL7 (angiopoietin like 7; plus strand), MTOR (mechanistic target of rapamycin kinase; minus strand). Cytogenetic location: 1p36.22.
Variant type: single nucleotide variant.
Coding change: c.4253+5631C>A on transcript NM_004958.4 (MANE Select); 5631 bases into the intron after coding-DNA position 4253, C replaced by A.
Molecular consequence: intron variant. On other transcripts: missense variant (1).
Genome position (GRCh38, 1-based): chr1:11,193,627, G>T on the plus strand (C>A on the coding strand, the complement: MTOR is on the minus strand). VCF-style: chr1-11193627-G-T. GRCh37 (hg19) VCF-style: chr1-11253684-G-T.
Other names: c.525G>T, p.Gln175His (NM_021146.4); c.3005+5631C>A (NM_001386501.1); c.4253+5631C>A (NM_001386500.1); short protein forms Q175H.
Identifiers: ClinVar variation 1701093 (VCV001701093.31), dbSNP rs28991009, ClinGen allele CA589852.
Genomic context (GRCh38, chr1:11,193,627, plus strand): 5'-CCCTCTGCTTCAGGTGTTCTGTGACATGGAGACTTCAGGCGGAGGCTGGACCATCATCCA[G>T]AGACGAAAAAGTGGCCTTGTCTCCTTCTACCGGGACTGGAAGCAGTACAAGCAGGGCTTT-3'

ClinVar aggregate classification (germline): Benign (1 of 4 stars; one submission).

Allele frequency attached by ClinVar (database versions not stated): 1000 Genomes Project 0.00100; 1000 Genomes Project 30x 0.00187; ESP Exome Variant Server 0.00492.
gnomAD v4.1: 9,065 of 1,612,570 alleles (0.56%); highest among the groups gnomAD compares: Non-Finnish European, 0.73%; 43 homozygotes.

Submission:

CeGaT Center for Human Genetics Tuebingen
Classification: Benign. Last evaluated: 2026-05-01. Review status: criteria provided, single submitter. Criteria: CeGaT Center For Human Genetics Tuebingen Variant Classification Criteria Version 2. Collection method: clinical testing. Allele origin: germline. Affected: yes. Observed: 21 variant alleles.
Comment: MTOR: BS1, BS2